The following is an entry in ClinVar:

ClinVar aggregate classification (germline): Likely pathogenic (1 of 4 stars; one submission).

Conditions:
3M syndrome 1. Also called: 3-M Syndrome, CUL7-Related. Identifiers: Orphanet 2616, MedGen C2678312, MONDO:0010117, OMIM 273750.

Submission:

Greenwood Genetic Center Diagnostic Laboratories, Greenwood Genetic Center
Classification: Likely pathogenic for 3M syndrome 1. Last evaluated: 2023-06-08. Review status: criteria provided, single submitter. Criteria: ACMG Guidelines, 2015. Collection method: clinical testing. Allele origin: germline. Affected: yes.
Comment: PVS1, PM2

NM_014780.5(CUL7):c.3368_3369del (p.Arg1123fs)

Gene: CUL7 (cullin 7; minus strand). Cytogenetic location: 6p21.1.
Variant type: Deletion.
Coding change: c.3368_3369del on transcript NM_014780.5 (MANE Select); coding-DNA positions 3368 to 3369, 2 bases deleted (GA; older notation c.3368_3369delGA).
Protein change: p.Arg1123fs; shifts the reading frame from arginine 1123.
Molecular consequence: frameshift variant.
Genome position (GRCh38, 1-based): chr6:43,043,167-43,043,168, TC deleted on the plus strand (GA on the coding strand, the reverse complement: CUL7 is on the minus strand); deleting any 2 consecutive bases within chr6:43,043,167-43,043,169 gives the same sequence; the c. name uses the placement nearest the transcript's 3' end. VCF-style (leftmost placement, unchanged base first): chr6-43043166-TTC-T. GRCh37 (hg19) VCF-style: chr6-43010904-TTC-T.
Other names: c.3464_3465del, p.Arg1155fs (NM_001168370.2, NM_001374872.1); c.3368_3369del, p.Arg1123fs (NM_001374873.1); c.3365_3366del, p.Arg1122fs (NM_001374874.1); short protein forms R1122fs, R1123fs, R1155fs.
Identifiers: ClinVar variation 2572266 (VCV002572266.1), dbSNP rs2532631156, ClinGen allele CA2580614888.
Genomic context (GRCh38, chr6:43,043,166, plus strand): 5'-TCAGGTTTCTCATGATGCTGCTTGGAAGGCCCCGGGTAGCCAAGGAGCTCCAGTCGTGGC[TTC>T]TGTTTCTGCCTTCTGTAGAGACCAAGAAAGTGGCAGAGGCAAGGAGGGTGCAGCCCCTCC-3'